The following is an entry in ClinVar:

ClinVar aggregate classification (germline): Pathogenic/Likely pathogenic. Review status: criteria provided, multiple submitters, no conflicts (2 of 4 stars). 4 submissions from 4 submitters: Pathogenic (2); Likely pathogenic (2). Last evaluated 2024-05-17.

Conditions:
Multiple acyl-CoA dehydrogenase deficiency (MADD). Also called: Glutaric aciduria, type 2; Glutaric acidemia type II; GA 2; ETHYLMALONIC-ADIPICACIDURIA; GA II; Glutaric Acidemia type 2. Identifiers: Orphanet 26791, MedGen C0268596, MONDO:0009282, OMIM 231680.

Allele frequency attached by ClinVar (database versions not stated): gnomAD exomes below 0.00001.
gnomAD v4.1: 1 of 1,573,762 alleles (0.000064%); highest among the groups gnomAD compares: Non-Finnish European, 0.000087%; no homozygotes.

Submissions (4):

Fulgent Genetics
Classification: Likely pathogenic for Multiple acyl-CoA dehydrogenase deficiency. Last evaluated: 2024-05-17. Review status: criteria provided, single submitter. Criteria: ACMG Guidelines, 2015. Collection method: clinical testing. Allele origin: germline.

Labcorp Genetics (formerly Invitae), Labcorp
Classification: Pathogenic for Multiple acyl-CoA dehydrogenase deficiency. Last evaluated: 2023-10-23. Review status: criteria provided, single submitter. Criteria: Invitae Variant Classification Sherloc (09022015). Collection method: clinical testing. Allele origin: germline.
Comment: This sequence change creates a premature translational stop signal (p.Tyr154*) in the ETFDH gene. It is expected to result in an absent or disrupted protein product. Loss-of-function variants in ETFDH are known to be pathogenic (PMID: 16510302, 23785301). This variant is not present in population databases (gnomAD no frequency). This variant has not been reported in the literature in individuals affected with ETFDH-related conditions. ClinVar contains an entry for this variant (Variation ID: 235624). For these reasons, this variant has been classified as Pathogenic.

Baylor Genetics
Classification: Likely pathogenic for Multiple acyl-CoA dehydrogenase deficiency. Last evaluated: 2023-05-15. Review status: criteria provided, single submitter. Criteria: ACMG Guidelines, 2015. Collection method: clinical testing. Allele origin: unknown.

Center for Pediatric Genomic Medicine, Children's Mercy Hospital and Clinics
Classification: Pathogenic. Last evaluated: 2015-03-20. Review status: criteria provided, single submitter. Criteria: ACMG Guidelines, 2015. Collection method: clinical testing. Allele origin: germline.

Literature cited by the submitters: PubMed 16510302 (cited by Labcorp Genetics (formerly Invitae), Labcorp); PubMed 23785301 (cited by Labcorp Genetics (formerly Invitae), Labcorp).

NM_004453.4(ETFDH):c.462C>G (p.Tyr154Ter)

Gene: ETFDH (electron transfer flavoprotein dehydrogenase; plus strand). Cytogenetic location: 4q32.1.
Variant type: single nucleotide variant.
Coding change: c.462C>G on transcript NM_004453.4 (MANE Select); coding-DNA position 462, C replaced by G.
Protein change: p.Tyr154Ter; replaces tyrosine 154 with a stop codon.
Molecular consequence: nonsense.
Genome position (GRCh38, 1-based): chr4:158,684,648, C>G. VCF-style: chr4-158684648-C-G. GRCh37 (hg19) VCF-style: chr4-159605800-C-G.
Other names: c.321C>G, p.Tyr107Ter (NM_001281737.2); c.279C>G, p.Tyr93Ter (NM_001281738.1); short protein forms Y154*, Y107*, Y93*.
Identifiers: ClinVar variation 235624 (VCV000235624.9), dbSNP rs878853082, ClinGen allele CA10581378.